The following is an entry in ClinVar:

ClinVar aggregate classification (germline): Uncertain significance. Review status: criteria provided, multiple submitters, no conflicts (2 of 4 stars). 2 submissions from 2 submitters: Uncertain significance (2). Last evaluated 2022-08-09.

Conditions:
Inborn genetic diseases. Identifiers: MedGen C0950123, MeSH D030342.
Epidermodysplasia verruciformis. Identifiers: Orphanet 302, MedGen C0014522, MONDO:0009176.

Allele frequency attached by ClinVar (database versions not stated): gnomAD exomes 0.00002 and 0.00004; ExAC 0.00004; ESP Exome Variant Server 0.00008; gnomAD 0.00017 and 0.00019; TOPMed 0.00019.

Submissions (2):

Labcorp Genetics (formerly Invitae), Labcorp
Classification: Uncertain significance for Epidermodysplasia verruciformis. Last evaluated: 2022-08-09. Review status: criteria provided, single submitter. Criteria: Invitae Variant Classification Sherloc (09022015). Collection method: clinical testing. Allele origin: germline.
Comment: This sequence change replaces methionine, which is neutral and non-polar, with isoleucine, which is neutral and non-polar, at codon 606 of the TMC8 protein (p.Met606Ile). This variant is present in population databases (rs369040695, gnomAD 0.05%). This variant has not been reported in the literature in individuals affected with TMC8-related conditions. ClinVar contains an entry for this variant (Variation ID: 847751). Algorithms developed to predict the effect of missense changes on protein structure and function (SIFT, PolyPhen-2, Align-GVGD) all suggest that this variant is likely to be tolerated. In summary, the available evidence is currently insufficient to determine the role of this variant in disease. Therefore, it has been classified as a Variant of Uncertain Significance.

Ambry Genetics
Classification: Uncertain significance for Inborn genetic diseases. Last evaluated: 2021-08-18. Review status: criteria provided, single submitter. Criteria: Ambry Variant Classification Scheme 2023. Collection method: clinical testing. Allele origin: germline.

NM_152468.5(TMC8):c.1818G>A (p.Met606Ile)

Gene: TMC8 (transmembrane channel like 8; plus strand). Cytogenetic location: 17q25.3.
Variant type: single nucleotide variant.
Coding change: c.1818G>A on transcript NM_152468.5 (MANE Select); coding-DNA position 1818, G replaced by A.
Protein change: p.Met606Ile; replaces methionine 606 with isoleucine.
Molecular consequence: missense variant.
Genome position (GRCh38, 1-based): chr17:78,138,727, G>A. VCF-style: chr17-78138727-G-A. GRCh37 (hg19) VCF-style: chr17-76134808-G-A.
Other names: short protein forms M606I.
Identifiers: ClinVar variation 847751 (VCV000847751.6), dbSNP rs369040695, ClinGen allele CA8796986.
Genomic context (GRCh38, chr17:78,138,727, plus strand): 5'-TGGCCAGCGTGCCCTCCACTACCTGGGCTCCCACGCCTTCAGCTTCCCCCTCCTCATCAT[G>A]CTCAGGTTCTCAGGGCAGCCGGGGCCATGGGAGGGGACACCTGGAGGGGGAGGTCCTTCC-3'
Protein context (NP_689681.2, residues 596-616): SHAFSFPLLI[Met606Ile]LSLVLTVCVS